The following is an entry in ClinVar:

NM_004360.5(CDH1):c.49-2A>G

Gene: CDH1 (cadherin 1; plus strand). Cytogenetic location: 16q22.1.
Variant type: single nucleotide variant.
Coding change: c.49-2A>G on transcript NM_004360.5 (MANE Select); the canonical splice acceptor site of the intron before coding-DNA position 49, A replaced by G.
Molecular consequence: splice acceptor variant.
Genome position (GRCh38, 1-based): chr16:68,738,295, A>G. VCF-style: chr16-68738295-A-G. GRCh37 (hg19) VCF-style: chr16-68772198-A-G.
Other names: IVS1AS, A-G, -2; c.-1567-2A>G (NM_001317185.2); c.-1771-2A>G (NM_001317186.2); c.49-2A>G (NM_001317184.2).
Identifiers: ClinVar variation 406631 (VCV000406631.21), dbSNP rs1060501226, ClinGen allele CA16615353.
Genomic context (GRCh38, chr16:68,738,295, plus strand): 5'-TTCGGTGAGCAGGAGGGAACCCTCCGAGTCACCCGGTTCCATCTACCTTTCCCCCACCCC[A>G]GGTCTCCTCTTGGCTCTGCCAGGAGCCGGAGCCCTGCCACCCTGGCTTTGACGCCGAGAG-3'

ClinVar aggregate classification (germline): Pathogenic. Review status: reviewed by expert panel (3 of 4 stars). 7 submissions from 7 submitters: Pathogenic (1). 6 of the submissions do not count toward it. Last evaluated 2023-08-30.

Conditions:
CDH1-related diffuse gastric and lobular breast cancer syndrome. Also called: CDH1-related diffuse gastric and lobular breast cancer. Identifiers: MedGen CN311521, MONDO:0100488.
Hereditary cancer-predisposing syndrome. Also called: Tumor predisposition; Neoplastic Syndromes, Hereditary; Hereditary Cancer Syndrome; Hereditary neoplastic syndrome. Identifiers: Orphanet 140162, MedGen C0027672, MeSH D009386, MONDO:0015356.
Hereditary diffuse gastric adenocarcinoma (HDGC). Also called: DIFFUSE GASTRIC AND LOBULAR BREAST CANCER SYNDROME. Identifiers: Orphanet 26106, MedGen C1708349, MONDO:0007648, OMIM 137215.
Familial cancer of breast. Also called: BREAST CANCER, FAMILIAL; hereditary breast carcinoma; Hereditary breast cancer. Identifiers: Orphanet 227535, MedGen C0346153, MONDO:0016419, OMIM 114480. Disease mechanism: loss of function.

gnomAD v4.1: 1 of 1,542,384 alleles (0.000065%); no homozygotes.

Submissions (8):

Clingen Gastric Cancer Variant Curation Expert Panel
Classification: Pathogenic for CDH1-related diffuse gastric and lobular breast cancer syndrome. Last evaluated: 2023-08-30. Review status: reviewed by expert panel. Criteria: ClinGen CDH1 ACMG Specifications V3.1. Collection method: curation. Allele origin: germline. Inheritance: Autosomal dominant inheritance.
Comment: The c.49-2A>G variant is a canonical splice variant predicted to result in a premature stop codon that leads to a truncated or absent protein (PVS1_Strong, PM5_Supporting). The variant is absent in the gnomAD cohort (PM2_Supporting). This variant was found to co-segregate with disease in multiple affected family members, with 3 meioses observed across at least two families (PP1; PMID: 17221870, 15780560). This variant has also been reported in at least three families meeting HDGC clinical criteria (PS4_Moderate; PMID: 17221870, 15780560, 10072428). The c.49-2A>C allele was demonstrated to alter splicing through RT-PCR analysis of mRNA from an affected carrier (PS3_Moderate; PMID: 17221870). In summary, this variant meets criteria to be classified as pathogenic based on the ACMG/AMP criteria applied as specified by the CDH1 Variant Curation Expert Panel (Variant Interpretation Guidelines Version 3.1): PVS1_Strong, PM2_Supporting, PP1, PS4_Moderate, PS3_Moderate, PM5_Supporting.

Ambry Genetics
Classification: Pathogenic for Hereditary cancer-predisposing syndrome. Last evaluated: 2024-04-10. Review status: criteria provided, single submitter. Criteria: Ambry Variant Classification Scheme 2023. Collection method: clinical testing. Allele origin: germline. Not counted in ClinVar's aggregate classification.
Comment: The c.49-2A>G intronic pathogenic mutation results from an A to G substitution two nucleotides upstream from coding exon 2 in the CDH1 gene. This alteration was originally reported in a family with six individuals from two successive generations affected with diffuse gastric cancer (Richards FM et al. Hum. Mol. Genet., 1999 Apr;8:607-10). It has later been reported in another family with diffuse gastric cancer (Moran CJ et al. Eur J Surg Oncol, 2005 Apr;31:259-64), as well as in an individual with lobular breast cancer (McVeigh TP et al. Clin. Breast Cancer, 2014 Apr;14:e47-51). This nucleotide position is highly conserved in available vertebrate species. In silico splice site analysis predicts that this alteration will weaken the native splice acceptor site and will result in the creation or strengthening of a novel splice acceptor site. In addition to the clinical data presented in the literature, alterations that disrupt the canonical splice site are expected to cause aberrant splicing, resulting in an abnormal protein or a transcript that is subject to nonsense-mediated mRNA decay. As such, this alteration is classified as pathogenic.

Myriad Genetics, Inc.
Classification: Likely pathogenic for Hereditary diffuse gastric adenocarcinoma. Last evaluated: 2023-06-08. Review status: criteria provided, single submitter. Criteria: Myriad Autosomal Dominant, Autosomal Recessive and X-Linked Classification Criteria (2023). Collection method: clinical testing. Allele origin: unknown. Not counted in ClinVar's aggregate classification.
Comment: This variant is considered likely pathogenic. This variant occurs within a consensus splice junction and is predicted to result in abnormal mRNA splicing of either an out-of-frame exon or an in-frame exon necessary for protein stability and/or normal function. This variant has been reported in multiple individuals with clinical features of gene-specific disease [PMID: 15780560, 10072428, 24333020].

Baylor Genetics
Classification: Pathogenic for Familial cancer of breast. Last evaluated: 2022-10-05. Review status: criteria provided, single submitter. Criteria: ACMG Guidelines, 2015. Collection method: clinical testing. Allele origin: unknown. Not counted in ClinVar's aggregate classification.

European Reference Network on Genetic Tumour Risk Syndromes (ERN-GENTURIS), i3s - Instituto de Investigação e Inovação em Saúde, University of Porto
Classification: Pathogenic for Hereditary diffuse gastric adenocarcinoma. Last evaluated: 2022-08-01. Review status: criteria provided, single submitter. Criteria: Lee et al. (Hum Mutat. 2018). Collection method: clinical testing. Allele origin: germline. Inheritance: Autosomal dominant inheritance. Affected: yes. Study: ERN GENTURIS. Not counted in ClinVar's aggregate classification.
Comment: PVS1_Strong; PS3_Moderate; PS4; PM2; PP1 (PMID: 30311375)

Labcorp Genetics (formerly Invitae), Labcorp
Classification: Pathogenic for Hereditary diffuse gastric adenocarcinoma. Last evaluated: 2022-02-09. Review status: criteria provided, single submitter. Criteria: Invitae Variant Classification Sherloc (09022015). Collection method: clinical testing. Allele origin: germline. Not counted in ClinVar's aggregate classification.
Comment: This sequence change affects an acceptor splice site in intron 1 of the CDH1 gene. It is expected to disrupt RNA splicing. Variants that disrupt the donor or acceptor splice site typically lead to a loss of protein function (PMID: 16199547), and loss-of-function variants in CDH1 are known to be pathogenic (PMID: 15235021, 20373070). This variant is not present in population databases (gnomAD no frequency). Disruption of this splice site has been observed in individual(s) with diffuse gastric cancer, lobular breast cancer, and colorectal cancer (PMID: 10072428, 17221870). It has also been observed to segregate with disease in related individuals. ClinVar contains an entry for this variant (Variation ID: 406631). For these reasons, this variant has been classified as Pathogenic.

OMIM
Classification: Pathogenic for DIFFUSE GASTRIC AND LOBULAR BREAST CANCER SYNDROME. Last evaluated: 1999-04-01. Review status: no assertion criteria provided. Collection method: literature only. Allele origin: germline. Not counted in ClinVar's aggregate classification.

Dr. Peter K. Rogan Lab, Western University
No classification provided (evidence only). Condition: Familial cancer of breast. Review status: no classification provided. Collection method: in vitro. Allele origin: not applicable. Functional consequence: skipped exon. Not counted in ClinVar's aggregate classification.

Literature cited by the submitters: PubMed 17221870 (cited by 3 submitters); PubMed 15780560 (cited by 3 submitters); PubMed 10072428 (cited by 5 submitters); PubMed 22225527 (cited by Ambry Genetics); PubMed 24333020 (cited by Ambry Genetics and Myriad Genetics, Inc.); PubMed 36436516 (cited by European Reference Network on Genetic Tumour Risk Syndromes (ERN-GENTURIS), i3s - Instituto de Investigação e Inovação em Saúde, University of Porto); PubMed 16199547 (cited by Labcorp Genetics (formerly Invitae), Labcorp); PubMed 15235021 (cited by Labcorp Genetics (formerly Invitae), Labcorp); PubMed 20373070 (cited by Labcorp Genetics (formerly Invitae), Labcorp).